The following is an entry in ClinVar:

ClinVar aggregate classification (germline): Uncertain significance. Review status: criteria provided, single submitter (1 of 4 stars). 2 submissions from 2 submitters: Uncertain significance (1). 1 of the submissions does not count toward it. Last evaluated 2024-10-24.

Conditions:
Usher syndrome type 1B (USH1B). Also called: Usher syndrome type IB. Identifiers: MedGen C1848638, MONDO:0700087.

Allele frequency attached by ClinVar (database versions not stated): gnomAD 0.00001; TOPMed 0.00001.
gnomAD v4.1: 1 of 1,553,170 alleles (0.000064%); highest among the groups gnomAD compares: African/African-American, 0.0014%; no homozygotes.

Submissions (2):

Labcorp Genetics (formerly Invitae), Labcorp
Classification: Uncertain significance. Last evaluated: 2024-10-24. Review status: criteria provided, single submitter. Criteria: Invitae Variant Classification Sherloc (09022015). Collection method: clinical testing. Allele origin: germline.
Comment: This sequence change replaces threonine, which is neutral and polar, with serine, which is neutral and polar, at codon 624 of the MYO7A protein (p.Thr624Ser). This variant is not present in population databases (gnomAD no frequency). This variant has not been reported in the literature in individuals affected with MYO7A-related conditions. ClinVar contains an entry for this variant (Variation ID: 2160872). Invitae Evidence Modeling of protein sequence and biophysical properties (such as structural, functional, and spatial information, amino acid conservation, physicochemical variation, residue mobility, and thermodynamic stability) has been performed for this missense variant. However, the output from this modeling did not meet the statistical confidence thresholds required to predict the impact of this variant on MYO7A protein function. In summary, the available evidence is currently insufficient to determine the role of this variant in disease. Therefore, it has been classified as a Variant of Uncertain Significance.

Natera, Inc.
Classification: Uncertain significance for Usher syndrome type 1B. Last evaluated: 2025-05-13. Review status: no assertion criteria provided. Collection method: clinical testing. Allele origin: germline. Not counted in ClinVar's aggregate classification.

NM_000260.4(MYO7A):c.1870A>T (p.Thr624Ser)

Gene: MYO7A (myosin VIIA; plus strand). Cytogenetic location: 11q13.5.
Variant type: single nucleotide variant.
Coding change: c.1870A>T on transcript NM_000260.4 (MANE Select); coding-DNA position 1870, A replaced by T.
Protein change: p.Thr624Ser; replaces threonine 624 with serine.
Molecular consequence: missense variant.
Genome position (GRCh38, 1-based): chr11:77,172,820, A>T. VCF-style: chr11-77172820-A-T. GRCh37 (hg19) VCF-style: chr11-76883866-A-T.
Other names: c.1870A>T, p.Thr624Ser (NM_001127180.2); c.1837A>T, p.Thr613Ser (NM_001369365.1); c.1870A>T (NM_000260.3); short protein forms T624S, T613S.
Identifiers: ClinVar variation 2160872 (VCV002160872.5), dbSNP rs1382176978, ClinGen allele CA381938456.